The following is an entry in ClinVar:

ClinVar aggregate classification (germline): Uncertain significance (1 of 4 stars; one submission).

Conditions:
Vici syndrome (VICIS). Identifiers: Orphanet 1493, MedGen C1855772, MONDO:0009452, OMIM 242840.

Allele frequency attached by ClinVar (database versions not stated): gnomAD exomes 0.00001; ExAC 0.00002.

Submission:

Labcorp Genetics (formerly Invitae), Labcorp
Classification: Uncertain significance for Vici syndrome. Last evaluated: 2022-09-13. Review status: criteria provided, single submitter. Criteria: Invitae Variant Classification Sherloc (09022015). Collection method: clinical testing. Allele origin: germline.
Comment: This sequence change replaces glycine, which is neutral and non-polar, with serine, which is neutral and polar, at codon 1588 of the EPG5 protein (p.Gly1588Ser). This variant is present in population databases (rs762287177, gnomAD 0.02%). This variant has not been reported in the literature in individuals affected with EPG5-related conditions. Advanced modeling of protein sequence and biophysical properties (such as structural, functional, and spatial information, amino acid conservation, physicochemical variation, residue mobility, and thermodynamic stability) performed at Invitae indicates that this missense variant is not expected to disrupt EPG5 protein function. In summary, the available evidence is currently insufficient to determine the role of this variant in disease. Therefore, it has been classified as a Variant of Uncertain Significance.

NM_020964.3(EPG5):c.4762G>A (p.Gly1588Ser)

Gene: EPG5 (ectopic P-granules 5 autophagy tethering factor; minus strand). Cytogenetic location: 18q12.3.
Variant type: single nucleotide variant.
Coding change: c.4762G>A on transcript NM_020964.3 (MANE Select); coding-DNA position 4762, G replaced by A.
Protein change: p.Gly1588Ser; replaces glycine 1588 with serine.
Molecular consequence: missense variant.
Genome position (GRCh38, 1-based): chr18:45,899,451, C>T on the plus strand (G>A on the coding strand, the complement: EPG5 is on the minus strand). VCF-style: chr18-45899451-C-T. GRCh37 (hg19) VCF-style: chr18-43479416-C-T.
Other names: c.4762G>A, p.Gly1588Ser (NM_001410858.1, NM_001410859.1); short protein forms G1588S.
Identifiers: ClinVar variation 2075159 (VCV002075159.1), dbSNP rs762287177, ClinGen allele CA8948762.